The following is an entry in ClinVar:

ClinVar aggregate classification (germline): Pathogenic (1 of 4 stars; one submission).

Submission:

ISCA site 14
Classification: Pathogenic. Last evaluated: 2011-08-12. Review status: criteria provided, single submitter. Criteria: Kaminsky et al. (Genet Med. 2011). Collection method: clinical testing. Allele origin: unknown. Affected: yes. Observed: 1 variant allele.
Comment: Copy number variation identified through the course of routine clinical cytogenomic testing in postnatal populations. Clinical assertions have been curated as described in Kaminsky et al. 2011.

GRCh38/hg38 15q26.3(chr15:98845807-101843270)x1

Genes: ADAMTS17 (ADAM metallopeptidase with thrombospondin type 1 motif 17; minus strand), ALDH1A3 (aldehyde dehydrogenase 1 family member A3; plus strand), ALDH1A3-AS1 (ALDH1A3 antisense RNA 1; minus strand), ASB7 (ankyrin repeat and SOCS box containing 7; plus strand), CERS3 (ceramide synthase 3; minus strand) and 147 more. Cytogenetic location: 15q26.3.
Variant type: copy number loss.
Change: copy number 1 (one copy instead of two) of chr15:98,845,807-101,843,270 (3.00 Mb, GRCh38 coordinates, 1-based), cytogenetic band 15q26.3.
Identifiers: ClinVar variation 59405 (VCV000059405.1).